The following is an entry in ClinVar:

ClinVar aggregate classification (germline): Pathogenic (1 of 4 stars; one submission).

Conditions:
Werner syndrome (WRN). Identifiers: Orphanet 902, MedGen C0043119, MONDO:0010196, OMIM 277700.

Submission:

Labcorp Genetics (formerly Invitae), Labcorp
Classification: Pathogenic for Werner syndrome. Last evaluated: 2023-05-22. Review status: criteria provided, single submitter. Criteria: Invitae Variant Classification Sherloc (09022015). Collection method: clinical testing. Allele origin: germline.
Comment: For these reasons, this variant has been classified as Pathogenic. ClinVar contains an entry for this variant (Variation ID: 2017163). This variant has not been reported in the literature in individuals affected with WRN-related conditions. This variant is not present in population databases (gnomAD no frequency). This sequence change creates a premature translational stop signal (p.Cys1223Alafs*25) in the WRN gene. It is expected to result in an absent or disrupted protein product. Loss-of-function variants in WRN are known to be pathogenic (PMID: 16673358).

Literature cited by the submitters: PubMed 16673358.

NM_000553.6(WRN):c.3666del (p.Cys1223fs)

Gene: WRN (WRN RecQ like helicase; plus strand). Cytogenetic location: 8p12.
Variant type: Deletion.
Coding change: c.3666del on transcript NM_000553.6 (MANE Select); coding-DNA position 3666, one base deleted (C; older notation c.3666delC).
Protein change: p.Cys1223fs; shifts the reading frame from cysteine 1223.
Molecular consequence: frameshift variant.
Genome position (GRCh38, 1-based): chr8:31,150,434, C deleted. VCF-style (leftmost placement, unchanged base first): chr8-31150433-TC-T. GRCh37 (hg19) VCF-style: chr8-31007949-TC-T.
Other names: short protein forms C1223fs.
Identifiers: ClinVar variation 2017163 (VCV002017163.4), dbSNP rs2536049813, ClinGen allele CA2580078204.